The following is an entry in ClinVar:

NM_002471.4(MYH6):c.1074G>A (p.Met358Ile)

Gene: MYH6 (myosin heavy chain 6; minus strand). Cytogenetic location: 14q11.2.
Variant type: single nucleotide variant.
Coding change: c.1074G>A on transcript NM_002471.4 (MANE Select); coding-DNA position 1074, G replaced by A.
Protein change: p.Met358Ile; replaces methionine 358 with isoleucine.
Molecular consequence: missense variant.
Genome position (GRCh38, 1-based): chr14:23,402,531, C>T on the plus strand (G>A on the coding strand, the complement: MYH6 is on the minus strand). VCF-style: chr14-23402531-C-T. GRCh37 (hg19) VCF-style: chr14-23871740-C-T.
Other names: short protein forms M358I.
Identifiers: ClinVar variation 2083255 (VCV002083255.4), dbSNP rs2502197439, ClinGen allele CA389026112.

ClinVar aggregate classification (germline): Uncertain significance (1 of 4 stars; one submission).

Conditions:
Hypertrophic cardiomyopathy 14. Identifiers: MedGen C2750467, MONDO:0013197, OMIM 613251.

Submission:

Labcorp Genetics (formerly Invitae), Labcorp
Classification: Uncertain significance for Hypertrophic cardiomyopathy 14. Last evaluated: 2022-07-07. Review status: criteria provided, single submitter. Criteria: Invitae Variant Classification Sherloc (09022015). Collection method: clinical testing. Allele origin: germline.
Comment: This sequence change replaces methionine, which is neutral and non-polar, with isoleucine, which is neutral and non-polar, at codon 358 of the MYH6 protein (p.Met358Ile). This variant is not present in population databases (gnomAD no frequency). This variant has not been reported in the literature in individuals affected with MYH6-related conditions. Algorithms developed to predict the effect of missense changes on protein structure and function (SIFT, PolyPhen-2, Align-GVGD) all suggest that this variant is likely to be tolerated. In summary, the available evidence is currently insufficient to determine the role of this variant in disease. Therefore, it has been classified as a Variant of Uncertain Significance.